The following is an entry in ClinVar:

ClinVar aggregate classification (germline): Uncertain significance (1 of 4 stars; one submission).

Conditions:
Inborn genetic diseases. Identifiers: MedGen C0950123, MeSH D030342.

Submission:

Ambry Genetics
Classification: Uncertain significance for Inborn genetic diseases. Last evaluated: 2026-09-11. Review status: criteria provided, single submitter. Criteria: Ambry Variant Classification Scheme 2023. Collection method: clinical testing. Allele origin: germline.
Comment: The c.521G>A (p.S174N) alteration is located in exon 5 (coding exon 4) of the RBMX gene. This alteration results from a G to A substitution at nucleotide position 521, causing the serine (S) at amino acid position 174 to be replaced by an asparagine (N). This variant was not reported in population-based cohorts in the Genome Aggregation Database (gnomAD). This amino acid position is highly conserved in available vertebrate species. This missense variant is located in a region that has a low rate of benign missense variation (Lek, 2016; Firth, 2009). This alteration is predicted to be tolerated by in silico analysis. Based on insufficient or conflicting evidence, the clinical significance of this alteration remains unclear.

NM_002139.4(RBMX):c.521G>A (p.Ser174Asn)

Gene: RBMX (RNA binding motif protein X-linked; minus strand). Cytogenetic location: Xq26.3.
Variant type: single nucleotide variant.
Coding change: c.521G>A on transcript NM_002139.4 (MANE Select); coding-DNA position 521, G replaced by A.
Protein change: p.Ser174Asn; replaces serine 174 with asparagine.
Molecular consequence: missense variant. On other transcripts: non-coding transcript variant (2), intron variant (1).
Genome position (GRCh38, 1-based): chrX:136,876,523, C>T on the plus strand (G>A on the coding strand, the complement: RBMX is on the minus strand). VCF-style: chrX-136876523-C-T. GRCh37 (hg19) VCF-style: chrX-135958682-C-T.
Other names: c.217-938G>A (NM_001164803.2); short protein forms S174N.
Identifiers: ClinVar variation 5028031 (VCV005028031.1).